The following is an entry in ClinVar:

NM_000038.6(APC):c.4478_4479insATT (p.Thr1493_Glu1494insLeu)

Gene: APC (APC regulator of Wnt signaling pathway; plus strand). Cytogenetic location: 5q22.2.
Variant type: Insertion.
Coding change: c.4478_4479insATT on transcript NM_000038.6 (MANE Select); coding-DNA positions 4478 to 4479, ATT inserted.
Protein change: p.Thr1493_Glu1494insLeu.
Molecular consequence: inframe insertion. On other transcripts: non-coding transcript variant (2).
Genome position: GRCh38 VCF-style: chr5-112840072-C-CATT. GRCh37 (hg19) VCF-style: chr5-112175769-C-CATT.
Other names: c.4478_4479insATT, p.Thr1493_Glu1494insLeu (NM_001127510.3, NM_001354895.2, NM_001407450.1); c.4424_4425insATT, p.Thr1475_Glu1476insLeu (NM_001127511.3); c.4532_4533insATT, p.Thr1511_Glu1512insLeu (NM_001354896.2, NM_001407447.1, NM_001407448.1 and 1 more transcripts); c.4508_4509insATT, p.Thr1503_Glu1504insLeu (NM_001354897.2); c.4403_4404insATT, p.Thr1468_Glu1469insLeu (NM_001354898.2); c.4394_4395insATT, p.Thr1465_Glu1466insLeu (NM_001354899.2); c.4355_4356insATT, p.Thr1452_Glu1453insLeu (NM_001354900.2); c.4301_4302insATT, p.Thr1434_Glu1435insLeu (NM_001354901.2, NM_001407453.1); and 11 more.
Identifiers: ClinVar variation 3625288 (VCV003625288.2).

ClinVar aggregate classification (germline): Uncertain significance (1 of 4 stars; one submission).

Conditions:
Familial adenomatous polyposis 1 (FAP1). Also called: FAMILIAL ADENOMATOUS POLYPOSIS 1, ATTENUATED; POLYPOSIS, ADENOMATOUS INTESTINAL. Identifiers: MedGen C2713442, MONDO:0021056, OMIM 175100. Disease mechanism: loss of function.

Submission:

Labcorp Genetics (formerly Invitae), Labcorp
Classification: Uncertain significance for Familial adenomatous polyposis 1. Last evaluated: 2024-08-13. Review status: criteria provided, single submitter. Criteria: Invitae Variant Classification Sherloc (09022015). Collection method: clinical testing. Allele origin: germline.
Comment: This variant, c.4478_4479insATT, results in the insertion of 1 amino acid(s) of the APC protein (p.Thr1493_Glu1494insLeu), but otherwise preserves the integrity of the reading frame. This variant is not present in population databases (gnomAD no frequency). This variant has not been reported in the literature in individuals affected with APC-related conditions. Experimental studies and prediction algorithms are not available or were not evaluated, and the functional significance of this variant is currently unknown. In summary, the available evidence is currently insufficient to determine the role of this variant in disease. Therefore, it has been classified as a Variant of Uncertain Significance.